The following is an entry in ClinVar:

NM_001282531.3(ADNP):c.2712dup (p.Asn905Ter)

Gene: ADNP (activity dependent neuroprotector homeobox; minus strand). Cytogenetic location: 20q13.13.
Variant type: Duplication.
Coding change: c.2712dup on transcript NM_001282531.3 (MANE Select); coding-DNA position 2712, one base duplicated (T; older notation c.2712dupT).
Protein change: p.Asn905Ter; replaces asparagine 905 with a stop codon.
Molecular consequence: nonsense.
Genome position (GRCh38, 1-based): chr20:50,892,002, A duplicated on the plus strand (T on the coding strand, the reverse complement: ADNP is on the minus strand). VCF-style (leftmost placement, unchanged base first): chr20-50892001-T-TA. GRCh37 (hg19) VCF-style: chr20-49508538-T-TA.
Other names: c.2712dup, p.Asn905Ter (NM_001282532.2, NM_001347511.2, NM_015339.5 and 1 more transcripts); short protein forms N905*.
Identifiers: ClinVar variation 1098391 (VCV001098391.5), dbSNP rs2122740067, ClinGen allele CA2499225781.

ClinVar aggregate classification (germline): Likely pathogenic. Review status: criteria provided, multiple submitters, no conflicts (2 of 4 stars). 3 submissions from 3 submitters: Likely pathogenic (3). Last evaluated 2025-09-24.

Conditions:
ADNP-related multiple congenital anomalies - intellectual disability - autism spectrum disorder. Also called: Helsmoortel-Van der Aa Syndrome; ADNP-Related Helsmoortel-Van der Aa Syndrome. Identifiers: Orphanet 404448, MedGen C4014538, MONDO:0014379, OMIM 615873. Disease mechanism: loss of function.

Submissions (3):

3billion
Classification: Likely pathogenic for ADNP-related multiple congenital anomalies - intellectual disability - autism spectrum disorder. Last evaluated: 2025-09-24. Review status: criteria provided, single submitter. Criteria: ACMG Guidelines, 2015. Collection method: clinical testing. Allele origin: germline. Affected: yes.
Comment: The variant is not observed in the gnomAD v4.1.0 dataset. Predicted Consequence/Location: Stop-gained (nonsense): predicted to result in a loss or disruption of normal protein function through protein truncation. The predicted truncated protein may be shortened by more than 10%. The variant has been reported at least twice as pathogenic without evidence for the classification (ClinVar ID: VCV001098391 /PMID: 36980980). Therefore, this variant is classified as Likely pathogenic according to the recommendation of ACMG/AMP guideline.

Genetics Laboratory, UDIAT-Centre Diagnòstic, Hospital Universitari Parc Tauli
Classification: Likely pathogenic. Last evaluated: 2021-04-26. Review status: criteria provided, single submitter. Criteria: Parc Tauli Hospital Assertion Criteria 2021. Collection method: clinical testing. Allele origin: inherited. Inheritance: Autosomal dominant inheritance. Affected: yes. Observed: 1 heterozygote.
Comment: PVS1_strong;PM1_moderate;PM2_supporting

Juno Genomics, Hangzhou Juno Genomics, Inc
Classification: Likely pathogenic for ADNP-related multiple congenital anomalies - intellectual disability - autism spectrum disorder. Review status: criteria provided, single submitter. Criteria: ACMG Guidelines, 2015. Collection method: clinical testing. Allele origin: germline. Affected: yes.
Comment: Null variant in a gene where loss of function (LOF) is a known mechanism of disease.;Absent from controls (or at extremely low frequency if recessive) in Genome Aggregation Database, Exome Sequencing Project, 1000 Genomes Project, or Exome Aggregation Consortium.;Patient's phenotype or family history is highly specific for a disease with a single genetic etiology.

Literature cited by the submitters: PubMed 36980980 (cited by 3billion).